The following is an entry in ClinVar:

ClinVar aggregate classification (germline): Likely benign. Review status: criteria provided, multiple submitters, no conflicts (2 of 4 stars). 3 submissions from 3 submitters: Likely benign (3). Last evaluated 2025-11-18.

Conditions:
Inborn genetic diseases. Identifiers: MedGen C0950123, MeSH D030342.

Allele frequency attached by ClinVar (database versions not stated): gnomAD exomes 0.00001; TOPMed 0.00002.
gnomAD v4.1: 24 of 1,586,350 alleles (0.0015%); highest among the groups gnomAD compares: Non-Finnish European, 0.0021%; no homozygotes.

Submissions (3):

Labcorp Genetics (formerly Invitae), Labcorp
Classification: Likely benign. Last evaluated: 2025-11-18. Review status: criteria provided, single submitter. Criteria: Invitae Variant Classification Sherloc (09022015). Collection method: clinical testing. Allele origin: germline.

Mayo Clinic Laboratories, Mayo Clinic
Classification: Likely benign. Last evaluated: 2025-02-18. Review status: criteria provided, single submitter. Criteria: ACMG Guidelines, 2015. Collection method: clinical testing. Allele origin: germline. Observed: 1 variant allele.
Comment: BP4, BP7

Ambry Genetics
Classification: Likely benign for Inborn genetic diseases. Last evaluated: 2024-11-22. Review status: criteria provided, single submitter. Criteria: Ambry Variant Classification Scheme 2023. Collection method: clinical testing. Allele origin: germline.

NM_014915.3(ANKRD26):c.4698A>G (p.Arg1566=)

Gene: ANKRD26 (ankyrin repeat domain 26; minus strand). Cytogenetic location: 10p12.1.
Variant type: single nucleotide variant.
Coding change: c.4698A>G on transcript NM_014915.3 (MANE Select); coding-DNA position 4698, A replaced by G.
Protein change: p.Arg1566=; no amino-acid change (arginine 1566 retained).
Molecular consequence: synonymous variant.
Genome position (GRCh38, 1-based): chr10:27,014,520, T>C on the plus strand (A>G on the coding strand, the complement: ANKRD26 is on the minus strand). VCF-style: chr10-27014520-T-C. GRCh37 (hg19) VCF-style: chr10-27303449-T-C.
Other names: p.Arg1566=; c.4695A>G, p.Arg1565= (NM_001256053.2).
Identifiers: ClinVar variation 2888854 (VCV002888854.5), dbSNP rs1237696600, ClinGen allele CA468487456.